The following is an entry in ClinVar:

NM_001184880.2(PCDH19):c.-119C>T

Gene: PCDH19 (protocadherin 19; minus strand). Cytogenetic location: Xq22.1.
Variant type: single nucleotide variant.
Coding change: c.-119C>T on transcript NM_001184880.2 (MANE Select); 119 bases upstream of the start codon, C replaced by T.
Molecular consequence: 5 prime UTR variant.
Genome position (GRCh38, 1-based): chrX:100,408,716, G>A on the plus strand (C>T on the coding strand, the complement: PCDH19 is on the minus strand). VCF-style: chrX-100408716-G-A. GRCh37 (hg19) VCF-style: chrX-99663714-G-A.
Other names: c.-119C>T (NM_001105243.2, NM_020766.3).
Identifiers: ClinVar variation 673413 (VCV000673413.2), dbSNP rs769230052, ClinGen allele CA333826117.

ClinVar aggregate classification (germline): Likely benign. Review status: criteria provided, multiple submitters, no conflicts (2 of 4 stars). 2 submissions from 2 submitters: Likely benign (2). Last evaluated 2018-06-14.

Allele frequency attached by ClinVar (database versions not stated): 1000 Genomes Project 0.00556; 1000 Genomes Project 30x 0.00604; TOPMed 0.00788; gnomAD 0.00945 and 0.00956; gnomAD exomes 0.01426.
gnomAD v4.1: 8,073 of 606,913 alleles (1.3%); highest among the groups gnomAD compares: Non-Finnish European, 1.5%; 63 homozygotes.

Submissions (2):

GeneDx
Classification: Likely benign. Last evaluated: 2018-06-14. Review status: criteria provided, single submitter. Criteria: GeneDx Variant Classification (06012015). Collection method: clinical testing. Allele origin: germline. Affected: yes.
Comment: This variant is considered likely benign or benign based on one or more of the following criteria: it is a conservative change, it occurs at a poorly conserved position in the protein, it is predicted to be benign by multiple in silico algorithms, and/or has population frequency not consistent with disease.

Breakthrough Genomics
Classification: Likely benign. Review status: criteria provided, single submitter. Criteria: ACMG Guidelines, 2015. Collection method: not provided. Allele origin: germline. Inheritance: X-linked inheritance. Affected: yes.